The following is an entry in ClinVar:

NM_172351.3(CD46):c.1056A>T (p.Arg352Ser)

Gene: CD46 (CD46 molecule; plus strand). Cytogenetic location: 1q32.2.
Variant type: single nucleotide variant.
Coding change: c.1056A>T on transcript NM_172351.3 (MANE Select); coding-DNA position 1056, A replaced by T.
Protein change: p.Arg352Ser; replaces arginine 352 with serine.
Molecular consequence: missense variant. On other transcripts: intron variant (1).
Genome position (GRCh38, 1-based): chr1:207,785,656, A>T. VCF-style: chr1-207785656-A-T. GRCh37 (hg19) VCF-style: chr1-207959001-A-T.
Other names: c.1101A>T, p.Arg367Ser (NM_002389.4, NM_172359.3); c.1056A>T, p.Arg352Ser (NM_153826.4); c.1011A>T, p.Arg337Ser (NM_172352.3, NM_172353.3); c.1014A>T, p.Arg338Ser (NM_172355.3, NM_172356.3); c.969A>T, p.Arg323Ser (NM_172357.3, NM_172361.3); c.1019A>T, p.Asp340Val (NM_172358.3); c.973+550A>T (NM_172350.3); short protein forms R367S, D340V, R338S, R323S, R337S, R352S.
Identifiers: ClinVar variation 4769532 (VCV004769532.1).

ClinVar aggregate classification (germline): Uncertain significance (1 of 4 stars; one submission).

gnomAD v4.1: 13 of 1,610,750 alleles (0.00081%); highest among the groups gnomAD compares: Non-Finnish European, 0.0011%; no homozygotes.

Submission:

Labcorp Genetics (formerly Invitae), Labcorp
Classification: Uncertain significance. Last evaluated: 2025-08-11. Review status: criteria provided, single submitter. Criteria: Invitae Variant Classification Sherloc (09022015). Collection method: clinical testing. Allele origin: germline.
Comment: This sequence change replaces arginine, which is basic and polar, with serine, which is neutral and polar, at codon 367 of the CD46 protein (p.Arg367Ser). This variant is present in population databases (no rsID available, gnomAD 0.0009%). This variant has not been reported in the literature in individuals affected with CD46-related conditions. An algorithm developed to predict the effect of missense changes on protein structure and function (PolyPhen-2) suggests that this variant is likely to be tolerated. In summary, the available evidence is currently insufficient to determine the role of this variant in disease. Therefore, it has been classified as a Variant of Uncertain Significance.